The following is an entry in ClinVar:

NM_002907.4(RECQL):c.949+190A>G

Gene: RECQL (RecQ like helicase; minus strand). Cytogenetic location: 12p12.1.
Variant type: single nucleotide variant.
Coding change: c.949+190A>G on transcript NM_002907.4 (MANE Select); 190 bases into the intron after coding-DNA position 949, A replaced by G.
Molecular consequence: intron variant.
Genome position (GRCh38, 1-based): chr12:21,476,721, T>C on the plus strand (A>G on the coding strand, the complement: RECQL is on the minus strand). VCF-style: chr12-21476721-T-C. GRCh37 (hg19) VCF-style: chr12-21629655-T-C.
Other names: c.949+190A>G (NM_032941.3).
Identifiers: ClinVar variation 679684 (VCV000679684.1), dbSNP rs2159944, ClinGen allele CA13582109.

ClinVar aggregate classification (germline): Benign (1 of 4 stars; one submission).

Allele frequency attached by ClinVar (database versions not stated): TOPMed 0.21567; gnomAD 0.21799 and 0.22105; 1000 Genomes Project 30x 0.21955; 1000 Genomes Project 0.22264.
gnomAD v4.1: 33,601 of 152,052 alleles (22%); highest among the groups gnomAD compares: East Asian, 30%; 4,107 homozygotes.

Submission:

GeneDx
Classification: Benign. Last evaluated: 2018-06-20. Review status: criteria provided, single submitter. Criteria: GeneDx Variant Classification (06012015). Collection method: clinical testing. Allele origin: germline. Affected: yes.
Comment: This variant is considered likely benign or benign based on one or more of the following criteria: it is a conservative change, it occurs at a poorly conserved position in the protein, it is predicted to be benign by multiple in silico algorithms, and/or has population frequency not consistent with disease.